The following is an entry in ClinVar:

NM_000944.5(PPP3CA):c.1225G>A (p.Val409Met)

Gene: PPP3CA (protein phosphatase 3 catalytic subunit alpha; minus strand). Cytogenetic location: 4q24.
Variant type: single nucleotide variant.
Coding change: c.1225G>A on transcript NM_000944.5 (MANE Select); coding-DNA position 1225, G replaced by A.
Protein change: p.Val409Met; replaces valine 409 with methionine.
Molecular consequence: missense variant.
Genome position (GRCh38, 1-based): chr4:101,040,498, C>T on the plus strand (G>A on the coding strand, the complement: PPP3CA is on the minus strand). VCF-style: chr4-101040498-C-T. GRCh37 (hg19) VCF-style: chr4-101961655-C-T.
Other names: c.1225G>A, p.Val409Met (NM_001130691.2); c.1099G>A, p.Val367Met (NM_001130692.2); short protein forms V367M, V409M.
Identifiers: ClinVar variation 2123277 (VCV002123277.4), dbSNP rs2476224393, ClinGen allele CA357948213.

ClinVar aggregate classification (germline): Uncertain significance (1 of 4 stars; one submission).

Submission:

Labcorp Genetics (formerly Invitae), Labcorp
Classification: Uncertain significance. Last evaluated: 2024-10-30. Review status: criteria provided, single submitter. Criteria: Invitae Variant Classification Sherloc (09022015). Collection method: clinical testing. Allele origin: germline.
Comment: This sequence change replaces valine, which is neutral and non-polar, with methionine, which is neutral and non-polar, at codon 409 of the PPP3CA protein (p.Val409Met). This variant is not present in population databases (gnomAD no frequency). This variant has not been reported in the literature in individuals affected with PPP3CA-related conditions. ClinVar contains an entry for this variant (Variation ID: 2123277). Invitae Evidence Modeling of protein sequence and biophysical properties (such as structural, functional, and spatial information, amino acid conservation, physicochemical variation, residue mobility, and thermodynamic stability) indicates that this missense variant is not expected to disrupt PPP3CA protein function with a negative predictive value of 80%. In summary, the available evidence is currently insufficient to determine the role of this variant in disease. Therefore, it has been classified as a Variant of Uncertain Significance.